The following is an entry in ClinVar:

ClinVar aggregate classification (germline): Likely benign. Review status: criteria provided, multiple submitters, no conflicts (2 of 4 stars). 3 submissions from 3 submitters: Likely benign (3). Last evaluated 2026-01-26.

Conditions:
Tyrosinemia type I (TYRSN1). Also called: Tyrosinemia type 1; Fumarylacetoacetase deficiency; Deficiency of fumarylacetoacetase; FAH DEFICIENCY; HEPATORENAL TYROSINEMIA. Identifiers: Orphanet 882, MedGen C0268490, MONDO:0010161, OMIM 276700. Disease mechanism: loss of function.

Allele frequency attached by ClinVar (database versions not stated): gnomAD 0.00001 and 0.00002; gnomAD exomes 0.00001 and 0.00004; ExAC 0.00003; TOPMed 0.00005.

Submissions (3):

Labcorp Genetics (formerly Invitae), Labcorp
Classification: Likely benign for Tyrosinemia type I. Last evaluated: 2026-01-26. Review status: criteria provided, single submitter. Criteria: Invitae Variant Classification Sherloc (09022015). Collection method: clinical testing. Allele origin: germline.

Blueprint Genetics
Classification: Likely benign. Last evaluated: 2024-10-21. Review status: criteria provided, single submitter. Criteria: ACMG Guidelines, 2015. Collection method: clinical testing. Allele origin: germline.

GeneDx
Classification: Likely benign. Last evaluated: 2017-07-07. Review status: criteria provided, single submitter. Criteria: GeneDx Variant Classification (06012015). Collection method: clinical testing. Allele origin: germline. Affected: yes.
Comment: This variant is considered likely benign or benign based on one or more of the following criteria: it is a conservative change, it occurs at a poorly conserved position in the protein, it is predicted to be benign by multiple in silico algorithms, and/or has population frequency not consistent with disease.

NM_000137.4(FAH):c.315-18C>G

Genes: FAH (fumarylacetoacetate hydrolase; plus strand), LOC112272621 (Sharpr-MPRA regulatory region 12283; plus strand). Cytogenetic location: 15q25.1.
Variant type: single nucleotide variant.
Coding change: c.315-18C>G on transcript NM_000137.4 (MANE Select); 18 bases into the intron before coding-DNA position 315, C replaced by G.
Molecular consequence: intron variant.
Genome position (GRCh38, 1-based): chr15:80,160,392, C>G. VCF-style: chr15-80160392-C-G. GRCh37 (hg19) VCF-style: chr15-80452734-C-G.
Other names: c.315-18C>G (NM_001374377.1, NM_001374380.1).
Identifiers: ClinVar variation 510535 (VCV000510535.10), dbSNP rs757360795, ClinGen allele CA7691098.